The following is an entry in ClinVar:

NM_004360.5(CDH1):c.1982dup (p.Gly661_Asp662insTer)

Gene: CDH1 (cadherin 1; plus strand). Cytogenetic location: 16q22.1.
Variant type: Duplication.
Coding change: c.1982dup on transcript NM_004360.5 (MANE Select); coding-DNA position 1982, one base duplicated (G; older notation c.1982dupG).
Protein change: p.Gly661_Asp662insTer.
Molecular consequence: frameshift variant.
Genome position (GRCh38, 1-based): chr16:68,823,444, G duplicated; the last of 3 consecutive G bases (chr16:68,823,442-68,823,444); duplicating any one gives the same sequence. VCF-style (leftmost placement, unchanged base first): chr16-68823441-T-TG. GRCh37 (hg19) VCF-style: chr16-68857344-T-TG.
Other names: c.1799dup, p.Gly600_Asp601insTer (NM_001317184.2); c.434dup, p.Gly145_Asp146insTer (NM_001317185.2); c.17dup, p.Gly6_Asp7insTer (NM_001317186.2).
Identifiers: ClinVar variation 1709451 (VCV001709451.2), dbSNP rs1596965628, ClinGen allele CA2580091875.

ClinVar aggregate classification (germline): Likely pathogenic (1 of 4 stars; one submission).

Conditions:
Hereditary diffuse gastric adenocarcinoma (HDGC). Also called: DIFFUSE GASTRIC AND LOBULAR BREAST CANCER SYNDROME. Identifiers: Orphanet 26106, MedGen C1708349, MONDO:0007648, OMIM 137215.

Submission:

MGZ Medical Genetics Center
Classification: Likely pathogenic for Hereditary diffuse gastric adenocarcinoma. Last evaluated: 2022-05-20. Review status: criteria provided, single submitter. Criteria: ACMG Guidelines, 2015. Collection method: clinical testing. Allele origin: germline. Affected: yes. Observed: 1 variant allele.
Comment: ACMG criteria applied: PVS1, PM2_SUP